The following is an entry in ClinVar:

NC_000006.11:g.(?_66005746)_(66063530_?)del

Gene: EYS (eyes shut homolog; minus strand). Cytogenetic location: 6q12.
Variant type: Deletion.
Identifiers: ClinVar variation 3246128 (VCV003246128.1).

ClinVar aggregate classification (germline): Pathogenic (1 of 4 stars; one submission).

Submission:

Labcorp Genetics (formerly Invitae), Labcorp
Classification: Pathogenic. Last evaluated: 2024-01-19. Review status: criteria provided, single submitter. Criteria: Invitae Variant Classification Sherloc (09022015). Collection method: clinical testing. Allele origin: unknown.
Comment: This variant is a gross deletion of the genomic region encompassing exon(s) 9-12 of the EYS gene. This deletion is out-of-frame, and is expected to create a premature termination codon and result in an absent or disrupted protein product. Loss-of-function variants in EYS are known to be pathogenic (PMID: 18836446, 20333770). This variant has not been reported in the literature in individuals affected with EYS-related conditions. For these reasons, this variant has been classified as Pathogenic.

Literature cited by the submitters: PubMed 18836446; PubMed 20333770.